The following is an entry in ClinVar:

ClinVar aggregate classification (germline): Pathogenic. Review status: reviewed by expert panel (3 of 4 stars). 12 submissions from 12 submitters: Pathogenic (1). 11 of the submissions do not count toward it. Last evaluated 2024-11-01.

Conditions:
Thrombophilia, X-linked, due to factor 9 defect. Identifiers: MedGen C2749016, MONDO:0010432, OMIM 300807.
Hereditary factor IX deficiency disease (HEMB). Also called: F9 DEFICIENCY; FACTOR IX DEFICIENCY; Hemophilia B; PLASMA THROMBOPLASTIN COMPONENT DEFICIENCY; Christmas Disease. Identifiers: Orphanet 98879, MedGen C0008533, MeSH D002836, MONDO:0010604, OMIM 306900.
Hereditary factor VIII deficiency disease (HEMA). Also called: AUTOSOMAL HEMOPHILIA A; HEMOPHILIA, CLASSIC; Hemophilia A; Hemophilia A, congenital; HEM A; Factor 8 deficiency, congenital. Identifiers: Orphanet 98878, MedGen C0019069, MONDO:0010602, OMIM 306700.

Allele frequency attached by ClinVar (database versions not stated): TOPMed 0.00003; gnomAD exomes below 0.00001.
gnomAD v4.1: 2 of 1,207,641 alleles (0.00017%); highest among the groups gnomAD compares: Non-Finnish European, 0.00022%; no homozygotes.

Submissions (12):

ClinGen Coagulation Factor Deficiency Variant Curation Expert Panel, Clingen
Classification: Pathogenic for Hereditary factor IX deficiency disease. Last evaluated: 2024-11-01. Review status: reviewed by expert panel. Criteria: ClinGen CoagFactor ACMG Specifications F9 V1.0.0. Collection method: curation. Allele origin: germline. Inheritance: X-linked inheritance.
Comment: The c.881G>A, p.Arg294Gln variant affects one of the functional domains (aa 227-459; Peptidase S1 domain) in the F9 protein meeting PM1. The variant is absent from male population databases (gnomAD v4.1) meeting PM2_Supporting. At least 30 patients with mild, moderate or severe hemophilia B have been reported in the literature reviewed meeting PS4_Very Strong and PP4_Moderate (PMID: 29296726, 15921378, 8091381). In-vitro functional studies show that the variant causes ER retention of the F9 protein, leading to reduced antigen levels meeting PS3_Supporting. REVEL score for this variant does not fall within the thresholds for pathogenic or benign predictions, and no splicing impact is noted by SpliceAI. In summary, this variant meets criteria to be classified as pathogenic. ACMG/AMP criteria applied as specified by the Coagulation Factor Deficiency Variant Curation Expert Panel for F9: PS4_Very Strong, PM1, PP4_Moderate, PS3_Supporting, PM2_Supporting.

Labcorp Genetics (formerly Invitae), Labcorp
Classification: Pathogenic for Thrombophilia, X-linked, due to factor 9 defect; Hereditary factor IX deficiency disease. Last evaluated: 2025-10-31. Review status: criteria provided, single submitter. Criteria: Invitae Variant Classification Sherloc (09022015). Collection method: clinical testing. Allele origin: germline. Not counted in ClinVar's aggregate classification.
Comment: This sequence change replaces arginine, which is basic and polar, with glutamine, which is neutral and polar, at codon 294 of the F9 protein (p.Arg294Gln). This variant is not present in population databases (gnomAD no frequency). This missense change has been observed in individuals with hemophilia B (PMID: 2472424, 19699296, 22544209, 32155688; internal data). This variant is also known as p.Arg248Gln. ClinVar contains an entry for this variant (Variation ID: 10602). Invitae Evidence Modeling of protein sequence and biophysical properties (such as structural, functional, and spatial information, amino acid conservation, physicochemical variation, residue mobility, and thermodynamic stability) has been performed for this missense variant. However, the output from this modeling did not meet the statistical confidence thresholds required to predict the impact of this variant on F9 protein function. Experimental studies have shown that this missense change affects F9 function (PMID: 29993188). For these reasons, this variant has been classified as Pathogenic.

Mayo Clinic Laboratories, Mayo Clinic
Classification: Pathogenic. Last evaluated: 2024-11-12. Review status: criteria provided, single submitter. Criteria: ACMG Guidelines, 2015. Collection method: clinical testing. Allele origin: germline. Observed: 2 variant alleles. Not counted in ClinVar's aggregate classification.
Comment: PM1_supporting, PM2_supporting, PS3, PS4_very_strong

GeneDx
Classification: Pathogenic. Last evaluated: 2024-03-27. Review status: criteria provided, single submitter. Criteria: GeneDx Variant Classification Process June 2021. Collection method: clinical testing. Allele origin: germline. Affected: yes. Not counted in ClinVar's aggregate classification.
Comment: Published functional studies demonstrate a damaging effect (PMID: 29993188); Not observed at significant frequency in large population cohorts (gnomAD); In silico analysis supports that this missense variant does not alter protein structure/function; This variant is associated with the following publications: (PMID: 31064749, 22639855, 1346975, 32155688, 32224444, 22544209, 19699296, 2472424, 12588353, 29993188)

Division of Human Genetics, National Health Laboratory Service/University of the Witwatersrand
Classification: Pathogenic for Hereditary factor IX deficiency disease. Last evaluated: 2023-07-01. Review status: criteria provided, single submitter. Criteria: ACMG Guidelines, 2015. Collection method: research. Allele origin: germline. Affected: yes. Not counted in ClinVar's aggregate classification.

Women's Health and Genetics/Laboratory Corporation of America, LabCorp
Classification: Pathogenic for Hereditary factor IX deficiency disease. Last evaluated: 2023-03-15. Review status: criteria provided, single submitter. Criteria: LabCorp Variant Classification Summary - May 2015. Collection method: clinical testing. Allele origin: germline. Not counted in ClinVar's aggregate classification.
Comment: Variant summary: F9 c.881G>A (p.Arg294Gln) results in a conservative amino acid change located in the Serine proteases, trypsin domain (IPR001254) of the encoded protein sequence. Three of five in-silico tools predict a damaging effect of the variant on protein function. The variant was absent in 179083 control chromosomes (gnomAD). c.881G>A has been reported in the literature in multiple individuals affected with Factor IX Deficiency (Hemophilia B) (Chen_1989, Chavali_2009, Onay_2003), including de novo occurrences. These data indicate that the variant is very likely to be associated with disease. To our knowledge, no experimental evidence demonstrating an impact on protein function has been reported. Four ClinVar submitters (evaluation after 2014) cite this variant as pathogenic. Based on the evidence outlined above, the variant was classified as pathogenic.

NIHR Bioresource Rare Diseases, University of Cambridge
Classification: Pathogenic for Hereditary factor VIII deficiency disease. Last evaluated: 2019-02-01. Review status: criteria provided, single submitter. Criteria: ACMG Guidelines, 2015. Collection method: research. Allele origin: unknown. Affected: yes. Observed: 1 hemizygote. Study: ThromboGenomics. Not counted in ClinVar's aggregate classification.

3billion
Classification: Pathogenic for Hereditary factor IX deficiency disease. Review status: criteria provided, single submitter. Criteria: ACMG Guidelines, 2015. Collection method: clinical testing. Allele origin: unknown. Affected: yes. Observed: 1 hemizygote. Not counted in ClinVar's aggregate classification.
Comment: The variant is not observed in the gnomAD v2.1.1 dataset. The variant is located in a mutational hot spot and/or well-established functional domain in which established pathogenic variants have been reported. Missense changes are a common disease-causing mechanism. In silico tool predictions suggest damaging effect of the variant on gene or gene product (REVEL: 0.58; 3Cnet: 0.73). Same nucleotide change resulting in same amino acid change has been previously reported as pathogenic/likely pathogenic with strong evidence (ClinVar ID: VCV000010602 / PMID: 2472424). A different missense change at the same codon (p.Arg294Gly) has been reported to be associated with F9 related disorder (PMID: 7937052). Therefore, this variant is classified as Pathogenic according to the recommendation of ACMG/AMP guideline.

Neuberg Centre For Genomic Medicine, NCGM
Classification: Pathogenic for Hereditary factor IX deficiency disease. Review status: criteria provided, single submitter. Criteria: ACMG Guidelines, 2015. Collection method: clinical testing. Allele origin: germline. Affected: yes. Not counted in ClinVar's aggregate classification.
Comment: The missense variant p.R294Q in F9 (NM_000133.4 has been reported previously in affected patients with hemophilia B (Chavali et al, 2009; Yu et al, 2012). The p.R294Q variant is novel (not in any individuals) in gnomAD Exomes and is novel (not in any individuals) in 1000 Genomes. Experimental studies have shown that this missense change impairs intracellular trafficking of factor IX (Pignani et al, 2018). It has been submitted to ClinVar as Pathogenic. For these reasons, this variant has been classified as Pathogenic

Natera, Inc.
Classification: Pathogenic for Hemophilia B. Last evaluated: 2021-08-01. Review status: no assertion criteria provided. Collection method: clinical testing. Allele origin: germline. Not counted in ClinVar's aggregate classification.

Angelo Bianchi Bonomi Hemophilia and Thrombosis Center, Fondazione IRCCS Ca Granda Ospedale Maggiore Policlinico
Classification: Pathogenic for Hereditary factor IX deficiency disease. Last evaluated: 2019-06-01. Review status: no assertion criteria provided. Collection method: clinical testing. Allele origin: germline. Affected: yes. Observed: 1 variant allele. Not counted in ClinVar's aggregate classification.

OMIM
Classification: Pathogenic for HEMOPHILIA B. Last evaluated: 1992-03-01. Review status: no assertion criteria provided. Collection method: literature only. Allele origin: germline. Not counted in ClinVar's aggregate classification.

Literature cited by the submitters: PubMed 2472424 (cited by 5 submitters); PubMed 19699296 (cited by 3 submitters); PubMed 22544209 (cited by 3 submitters); PubMed 32155688 (cited by Labcorp Genetics (formerly Invitae), Labcorp and Mayo Clinic Laboratories, Mayo Clinic); PubMed 29993188 (cited by Labcorp Genetics (formerly Invitae), Labcorp and Mayo Clinic Laboratories, Mayo Clinic); PubMed 1346975 (cited by 3 submitters); PubMed 16643212 (cited by Mayo Clinic Laboratories, Mayo Clinic and Angelo Bianchi Bonomi Hemophilia and Thrombosis Center, Fondazione IRCCS Ca Granda Ospedale Maggiore Policlinico); PubMed 17014892 (cited by Mayo Clinic Laboratories, Mayo Clinic); PubMed 22103590 (cited by Mayo Clinic Laboratories, Mayo Clinic and Angelo Bianchi Bonomi Hemophilia and Thrombosis Center, Fondazione IRCCS Ca Granda Ospedale Maggiore Policlinico).

NM_000133.4(F9):c.881G>A (p.Arg294Gln)

Gene: F9 (coagulation factor IX; plus strand). Cytogenetic location: Xq27.1.
Variant type: single nucleotide variant.
Coding change: c.881G>A on transcript NM_000133.4 (MANE Select); coding-DNA position 881, G replaced by A.
Protein change: p.Arg294Gln; replaces arginine 294 with glutamine.
Molecular consequence: missense variant.
Genome position (GRCh38, 1-based): chrX:139,561,566, G>A. VCF-style: chrX-139561566-G-A. GRCh37 (hg19) VCF-style: chrX-138643725-G-A.
Other names: F9, ARG248GLN; R248Q; NM_000133.3(F9):c.881G>A; c.767G>A, p.Arg256Gln (NM_001313913.2); short protein forms R294Q, R256Q.
Identifiers: ClinVar variation 10602 (VCV000010602.24), dbSNP rs137852249, ClinGen allele CA255368.